The following is an entry in ClinVar:

ClinVar aggregate classification (germline): Affects (0 of 4 stars; one submission).

Conditions:
weakened D expression by serology.

Submission:

Australian Red Cross Blood Service
Classification: Affects for weakened D expression by serology. Last evaluated: 2021-07-01. Review status: no assertion criteria provided. Collection method: research. Allele origin: inherited. Inheritance: Codominant.
Comment: weakened D antigen expression by serology.

NM_016124.6(RHD):c.277_278delinsGG (p.Leu93Gly)

Genes: RHD (Rh blood group D antigen; plus strand), RSRP1 (arginine and serine rich protein 1; minus strand). Cytogenetic location: 1p36.11.
Variant type: Indel.
Coding change: c.277_278delinsGG on transcript NM_016124.6 (MANE Select); coding-DNA positions 277 to 278, CT replaced by GG.
Protein change: p.Leu93Gly; replaces leucine 93 with glycine.
Molecular consequence: missense variant. On other transcripts: 5 prime UTR variant (1), intron variant (1).
Genome position (GRCh38, 1-based): chr1:25,284,701-25,284,702, CT replaced by GG. VCF-style: chr1-25284701-CT-GG. GRCh37 (hg19) VCF-style: chr1-25611192-CT-GG.
Other names: c.277_278delCTinsGG (NM_016124.6); c.277_278delinsGG, p.Leu93Gly (NM_001127691.3, NM_001282868.1, NM_001282869.2 and 3 more transcripts); c.-218_-217delinsGG (NM_001282867.1); c.-66-37673_-66-37672delinsCC (NM_001321772.2); short protein forms L93G.
Identifiers: ClinVar variation 1185564 (VCV001185564.4), dbSNP rs2124622201, ClinGen allele CA2499214661.
Genomic context (GRCh38, chr1:25,284,701, plus strand): 5'-AGCTGGAGCAGTGTGGCCTTCAACCTCTTCATGCTGGCGCTTGGTGTGCAGTGGGCAATC[CT>GG]GCTGGACGGCTTCCTGAGCCAGTTCCCTTCTGGGAAGGTGGTCATCACACTGTTCAGGTA-3'
Protein context (NP_057208.3, residues 83-103): MLALGVQWAI[Leu93Gly]LDGFLSQFPS